The following is an entry in ClinVar:

ClinVar aggregate classification (germline): Uncertain significance (1 of 4 stars; one submission).

Conditions:
Dilated cardiomyopathy 1AA (CMD1AA). Also called: Cardiomyopathy, dilated, 1AA, with or without LVNC; CARDIOMYOPATHY, DILATED, 1AA, WITH OR WITHOUT LEFT VENTRICULAR NONCOMPACTION; CARDIOMYOPATHY, FAMILIAL HYPERTROPHIC, 23, WITH OR WITHOUT LEFT VENTRICULAR NONCOMPACTION. Identifiers: Orphanet 154, MedGen C2677338, MONDO:0012808, OMIM 612158.
Primary familial hypertrophic cardiomyopathy (HCM). Identifiers: Orphanet 99739, MedGen C0949658, MeSH D024741, MONDO:0024573. Inheritance: Various modes of inheritance.

Allele frequency attached by ClinVar (database versions not stated): gnomAD exomes below 0.00001.
gnomAD v4.1: 3 of 1,614,136 alleles (0.00019%); highest among the groups gnomAD compares: Non-Finnish European, 0.00025%; no homozygotes.

Submission:

Labcorp Genetics (formerly Invitae), Labcorp
Classification: Uncertain significance for Primary familial hypertrophic cardiomyopathy; Dilated cardiomyopathy 1AA. Last evaluated: 2022-04-15. Review status: criteria provided, single submitter. Criteria: Invitae Variant Classification Sherloc (09022015). Collection method: clinical testing. Allele origin: germline.
Comment: Advanced modeling of protein sequence and biophysical properties (such as structural, functional, and spatial information, amino acid conservation, physicochemical variation, residue mobility, and thermodynamic stability) performed at Invitae indicates that this missense variant is not expected to disrupt ACTN2 protein function. In summary, the available evidence is currently insufficient to determine the role of this variant in disease. Therefore, it has been classified as a Variant of Uncertain Significance. This variant has not been reported in the literature in individuals affected with ACTN2-related conditions. This variant is not present in population databases (gnomAD no frequency). This sequence change replaces valine, which is neutral and non-polar, with methionine, which is neutral and non-polar, at codon 738 of the ACTN2 protein (p.Val738Met).

NM_001103.4(ACTN2):c.2212G>A (p.Val738Met)

Gene: ACTN2 (actinin alpha 2; plus strand). Cytogenetic location: 1q43.
Variant type: single nucleotide variant.
Coding change: c.2212G>A on transcript NM_001103.4 (MANE Select); coding-DNA position 2212, G replaced by A.
Protein change: p.Val738Met; replaces valine 738 with methionine.
Molecular consequence: missense variant.
Genome position (GRCh38, 1-based): chr1:236,757,543, G>A. VCF-style: chr1-236757543-G-A. GRCh37 (hg19) VCF-style: chr1-236920843-G-A.
Other names: c.2212G>A, p.Val738Met (NM_001278343.2); c.1588G>A, p.Val530Met (NM_001278344.2); c.1462G>A, p.Val488Met (NM_001412150.1); short protein forms V530M, V488M, V738M.
Identifiers: ClinVar variation 2126185 (VCV002126185.4), dbSNP rs1659585505, ClinGen allele CA345388841.